The following is an entry in ClinVar:

ClinVar aggregate classification (germline): Uncertain significance (1 of 4 stars; one submission).

Allele frequency attached by ClinVar (database versions not stated): gnomAD exomes 0.00001; gnomAD 0.00002; TOPMed 0.00003; ExAC 0.00004.
gnomAD v4.1: 11 of 1,152,712 alleles (0.00095%); highest among the groups gnomAD compares: East Asian, 0.032%; no homozygotes.

Submission:

Ambry Genetics
Classification: Uncertain significance. Last evaluated: 2023-02-23. Review status: criteria provided, single submitter. Criteria: Ambry Variant Classification Scheme 2023. Collection method: clinical testing. Allele origin: germline.
Comment: Does not currently meet published gene-disease clinical validity criteria Based on insufficient or conflicting evidence, the clinical significance of this alteration remains unclear.

Literature cited by the submitters: PubMed 28106320.

NM_017752.3(TBC1D8B):c.2260G>A (p.Gly754Ser)

Gene: TBC1D8B (TBC1 domain family member 8B; plus strand). Cytogenetic location: Xq22.3.
Variant type: single nucleotide variant.
Coding change: c.2260G>A on transcript NM_017752.3 (MANE Select); coding-DNA position 2260, G replaced by A.
Protein change: p.Gly754Ser; replaces glycine 754 with serine.
Molecular consequence: missense variant.
Genome position (GRCh38, 1-based): chrX:106,854,204, G>A. VCF-style: chrX-106854204-G-A. GRCh37 (hg19) VCF-style: chrX-106097434-G-A.
Other names: short protein forms G754S.
Identifiers: ClinVar variation 2488991 (VCV002488991.3), dbSNP rs772718382, ClinGen allele CA10483311.